The following is an entry in ClinVar:

ClinVar aggregate classification (germline): Uncertain significance (1 of 4 stars; one submission).

Submission:

Geisinger Autism and Developmental Medicine Institute, Geisinger Health System
Classification: Uncertain significance. Last evaluated: 2018-03-28. Review status: criteria provided, single submitter. Criteria: ACMG CNV Guidelines, 2011. Collection method: provider interpretation. Allele origin: unknown.
Comment: Parental testing was not completed. This duplication includes ten genes, three of which are associated with known clinical disorders; LRRK2, CNTN1, and PRICKLE1. The clinical significance of this duplication remains unclear at this time.

Single allele

Genes: CNTN1 (contactin 1; plus strand), GXYLT1 (glucoside xylosyltransferase 1; minus strand), LRRK2 (leucine rich repeat kinase 2; plus strand), MUC19 (mucin 19, oligomeric (gene/pseudogene); plus strand), PDZRN4 (PDZ domain containing ring finger 4; plus strand) and 5 more. Cytogenetic location: 12q12.
Variant type: Duplication.
Identifiers: ClinVar variation 560125 (VCV000560125.3).